The following is an entry in ClinVar:

NM_025074.7(FRAS1):c.756C>G (p.His252Gln)

Gene: FRAS1 (Fraser extracellular matrix complex subunit 1; plus strand). Cytogenetic location: 4q21.21.
Variant type: single nucleotide variant.
Coding change: c.756C>G on transcript NM_025074.7 (MANE Select); coding-DNA position 756, C replaced by G.
Protein change: p.His252Gln; replaces histidine 252 with glutamine.
Molecular consequence: missense variant.
Genome position (GRCh38, 1-based): chr4:78,266,902, C>G. VCF-style: chr4-78266902-C-G. GRCh37 (hg19) VCF-style: chr4-79188056-C-G.
Other names: c.756C>G, p.His252Gln (NM_001166133.2); c.756C>G (NM_025074.6); short protein forms H252Q.
Identifiers: ClinVar variation 3693821 (VCV003693821.3).

ClinVar aggregate classification (germline): Uncertain significance. Review status: criteria provided, multiple submitters, no conflicts (2 of 4 stars). 2 submissions from 2 submitters: Uncertain significance (2). Last evaluated 2026-01-17.

Conditions:
Inborn genetic diseases. Identifiers: MedGen C0950123, MeSH D030342.

gnomAD v4.1: 22 of 1,607,914 alleles (0.0014%); highest among the groups gnomAD compares: Non-Finnish European, 0.0017%; no homozygotes.

Submissions (2):

Labcorp Genetics (formerly Invitae), Labcorp
Classification: Uncertain significance. Last evaluated: 2026-01-17. Review status: criteria provided, single submitter. Criteria: Invitae Variant Classification Sherloc (09022015). Collection method: clinical testing. Allele origin: germline.
Comment: This sequence change replaces histidine, which is basic and polar, with glutamine, which is neutral and polar, at codon 252 of the FRAS1 protein (p.His252Gln). This variant is present in population databases (rs777668628, gnomAD 0.003%). This variant has not been reported in the literature in individuals affected with FRAS1-related conditions. ClinVar contains an entry for this variant (Variation ID: 3693821). Invitae Evidence Modeling of protein sequence and biophysical properties (such as structural, functional, and spatial information, amino acid conservation, physicochemical variation, residue mobility, and thermodynamic stability) indicates that this missense variant is not expected to disrupt FRAS1 protein function with a negative predictive value of 80%. In summary, the available evidence is currently insufficient to determine the role of this variant in disease. Therefore, it has been classified as a Variant of Uncertain Significance.

Ambry Genetics
Classification: Uncertain significance for Inborn genetic diseases. Last evaluated: 2025-08-05. Review status: criteria provided, single submitter. Criteria: Ambry Variant Classification Scheme 2023. Collection method: clinical testing. Allele origin: germline.